The following is an entry in ClinVar:

ClinVar aggregate classification (germline): Likely benign (1 of 4 stars; one submission).

Allele frequency attached by ClinVar (database versions not stated): gnomAD exomes below 0.00001; ExAC 0.00001.

Submission:

GeneDx
Classification: Likely benign. Last evaluated: 2018-05-16. Review status: criteria provided, single submitter. Criteria: GeneDx Variant Classification (06012015). Collection method: clinical testing. Allele origin: germline. Affected: yes.
Comment: This variant is considered likely benign or benign based on one or more of the following criteria: it is a conservative change, it occurs at a poorly conserved position in the protein, it is predicted to be benign by multiple in silico algorithms, and/or has population frequency not consistent with disease.

NM_000214.3(JAG1):c.3149C>T (p.Ala1050Val)

Gene: JAG1 (jagged canonical Notch ligand 1; minus strand). Cytogenetic location: 20p12.2.
Variant type: single nucleotide variant.
Coding change: c.3149C>T on transcript NM_000214.3 (MANE Select); coding-DNA position 3149, C replaced by T.
Protein change: p.Ala1050Val; replaces alanine 1050 with valine.
Molecular consequence: missense variant.
Genome position (GRCh38, 1-based): chr20:10,640,833, G>A on the plus strand (C>T on the coding strand, the complement: JAG1 is on the minus strand). VCF-style: chr20-10640833-G-A. GRCh37 (hg19) VCF-style: chr20-10621481-G-A.
Other names: short protein forms A1050V.
Identifiers: ClinVar variation 682348 (VCV000682348.1), dbSNP rs764799076, ClinGen allele CA9764270.